The following is an entry in ClinVar:

ClinVar aggregate classification (germline): Likely benign. Review status: reviewed by expert panel (3 of 4 stars). 3 submissions from 3 submitters: Likely benign (1). 2 of the submissions do not count toward it. Last evaluated 2017-06-29.

Conditions:
Hereditary cancer-predisposing syndrome. Also called: Hereditary Cancer Syndrome; Neoplastic Syndromes, Hereditary; Hereditary neoplastic syndrome; Tumor predisposition. Identifiers: Orphanet 140162, MedGen C0027672, MeSH D009386, MONDO:0015356.
Hereditary breast ovarian cancer syndrome. Also called: Hereditary breast and ovarian cancer syndrome (HBOC); Breast and ovarian cancer; Hereditary breast and ovarian cancer syndrome; Hereditary breast and ovarian cancer; BRCA1- and BRCA2-Associated Hereditary Breast and Ovarian Cancer; Hereditary breast and/or ovarian cancer syndrome. Identifiers: Orphanet 145, MedGen C0677776, MeSH D061325, MONDO:0003582. Disease mechanism: loss of function.
Breast-ovarian cancer, familial, susceptibility to, 1 (BROVCA1). Also called: BRCA1 Hereditary Breast and Ovarian Cancer; OVARIAN CANCER, SUSCEPTIBILITY TO. Identifiers: Orphanet 145, MedGen C2676676, MONDO:0011450, OMIM 604370. Disease mechanism: loss of function.

Submissions (3):

Evidence-based Network for the Interpretation of Germline Mutant Alleles (ENIGMA)
Classification: Likely benign for Breast-ovarian cancer, familial, susceptibility to, 1. Last evaluated: 2017-06-29. Review status: reviewed by expert panel. Criteria: ENIGMA BRCA1/2 Classification Criteria (2017-06-29). Collection method: curation. Allele origin: germline.
Comment: Synonymous substitution variant, with low bioinformatic likelihood to result in a splicing aberration (Splicing prior probability 0.02).

Ambry Genetics
Classification: Likely benign for Hereditary cancer-predisposing syndrome. Last evaluated: 2024-05-01. Review status: criteria provided, single submitter. Criteria: Ambry Variant Classification Scheme 2023. Collection method: clinical testing. Allele origin: germline. Not counted in ClinVar's aggregate classification.

Labcorp Genetics (formerly Invitae), Labcorp
Classification: Likely benign for Hereditary breast ovarian cancer syndrome. Last evaluated: 2023-08-17. Review status: criteria provided, single submitter. Criteria: Invitae Variant Classification Sherloc (09022015). Collection method: clinical testing. Allele origin: germline. Not counted in ClinVar's aggregate classification.

NM_007294.4(BRCA1):c.4725T>G (p.Pro1575=)

Gene: BRCA1 (BRCA1 DNA repair associated; minus strand). Cytogenetic location: 17q21.31.
Variant type: single nucleotide variant.
Coding change: c.4725T>G on transcript NM_007294.4 (MANE Select); coding-DNA position 4725, T replaced by G.
Protein change: p.Pro1575=; no amino-acid change (proline 1575 retained).
Molecular consequence: synonymous variant. On other transcripts: intron variant (1).
Genome position (GRCh38, 1-based): chr17:43,071,189, A>C on the plus strand (T>G on the coding strand, the complement: BRCA1 is on the minus strand). VCF-style: chr17-43071189-A-C. GRCh37 (hg19) VCF-style: chr17-41223206-A-C.
Other names: c.1296T>G, p.Pro432= (NM_001408423.1, NM_001408424.1, NM_001408421.1 and 1 more transcripts); c.1293T>G, p.Pro431= (NM_001408425.1, NM_001408426.1, NM_001408427.1 and 4 more transcripts); c.1290T>G, p.Pro430= (NM_001408432.1, NM_001408433.1, NM_001408434.1 and 10 more transcripts); c.1287T>G, p.Pro429= (NM_001408445.1, NM_001408446.1, NM_001408447.1 and 2 more transcripts); c.1281T>G, p.Pro427= (NM_001408451.1); c.1275T>G, p.Pro425= (NM_001408452.1, NM_001408453.1, NM_001408454.1 and 3 more transcripts); c.1272T>G, p.Pro424= (NM_001408458.1, NM_001408459.1, NM_001408460.1 and 7 more transcripts); c.1269T>G, p.Pro423= (NM_001408468.1, NM_001408469.1, NM_001408470.1); and 71 more.
Identifiers: ClinVar variation 240806 (VCV000240806.13), dbSNP rs878854953, ClinGen allele CA10583558.
Genomic context (GRCh38, chr17:43,071,189, plus strand): 5'-AGATGGTATGTTGCCAACACGAGCTGACTCTGGGGCTCTGTCTTCAGAAGGATCAGATTC[A>C]GGGTCATCAGAGAAGAGGCTGATTCCAGATTCCAGGTAAGGGGTTCCCTCTGAAAGGAAT-3'
Protein context (NP_009225.1, residues 1565-1585): ESGISLFSDD[Pro1575=]ESDPSEDRAP